The following is an entry in ClinVar:

ClinVar aggregate classification (germline): Likely benign. Review status: criteria provided, multiple submitters, no conflicts (2 of 4 stars). 4 submissions from 4 submitters: Likely benign (4). Last evaluated 2024-08-12.

Conditions:
Familial thoracic aortic aneurysm and aortic dissection (TAAD). Also called: Thoracic aortic aneurysms and dissections. Identifiers: Orphanet 91387, MedGen C4707243, MONDO:0019625.
Loeys-Dietz syndrome (LDS). Identifiers: Orphanet 60030, MedGen C2697932, MONDO:0018954.

Allele frequency attached by ClinVar (database versions not stated): gnomAD exomes below 0.00001.
gnomAD v4.1: 5 of 1,614,056 alleles (0.00031%); highest among the groups gnomAD compares: Non-Finnish European, 0.00042%; no homozygotes.

Submissions (4):

Labcorp Genetics (formerly Invitae), Labcorp
Classification: Likely benign for Familial thoracic aortic aneurysm and aortic dissection. Last evaluated: 2024-08-12. Review status: criteria provided, single submitter. Criteria: Invitae Variant Classification Sherloc (09022015). Collection method: clinical testing. Allele origin: germline.

Women's Health and Genetics/Laboratory Corporation of America, LabCorp
Classification: Likely benign. Last evaluated: 2023-10-19. Review status: criteria provided, single submitter. Criteria: LabCorp Variant Classification Summary - May 2015. Collection method: clinical testing. Allele origin: germline.

All of Us Research Program, National Institutes of Health
Classification: Likely benign for Loeys-Dietz syndrome. Last evaluated: 2023-03-23. Review status: criteria provided, single submitter. Criteria: ACMG Guidelines, 2015. Collection method: clinical testing. Allele origin: germline. Inheritance: Autosomal dominant inheritance. Observed: 1 variant allele, 1 heterozygote.
Comment: This study involves interpretation of variants in research participants for the purpose of population health screening. Participant phenotype was not available at the time of variant classification. Additional details can be found in publication PMID: 35346344, PMCID: PMC8962531

Ambry Genetics
Classification: Likely benign for Familial thoracic aortic aneurysm and aortic dissection. Last evaluated: 2022-04-23. Review status: criteria provided, single submitter. Criteria: Ambry Variant Classification Scheme 2023. Collection method: clinical testing. Allele origin: germline.

NM_004612.4(TGFBR1):c.705C>G (p.Ser235=)

Gene: TGFBR1 (transforming growth factor beta receptor 1; plus strand). Cytogenetic location: 9q22.33.
Variant type: single nucleotide variant.
Coding change: c.705C>G on transcript NM_004612.4 (MANE Select); coding-DNA position 705, C replaced by G.
Protein change: p.Ser235=; no amino-acid change (serine 235 retained).
Molecular consequence: synonymous variant.
Genome position (GRCh38, 1-based): chr9:99,137,989, C>G. VCF-style: chr9-99137989-C-G. GRCh37 (hg19) VCF-style: chr9-101900271-C-G.
Other names: c.474C>G, p.Ser158= (NM_001130916.3); c.717C>G, p.Ser239= (NM_001306210.2).
Identifiers: ClinVar variation 741849 (VCV000741849.11), dbSNP rs1325342802, ClinGen allele CA466434211.